The following is an entry in ClinVar:

NM_000545.8(HNF1A):c.1727A>C (p.Gln576Pro)

Gene: HNF1A (HNF1 homeobox A; plus strand). Cytogenetic location: 12q24.31.
Variant type: single nucleotide variant.
Coding change: c.1727A>C on transcript NM_000545.8 (MANE Select); coding-DNA position 1727, A replaced by C.
Protein change: p.Gln576Pro; replaces glutamine 576 with proline.
Molecular consequence: missense variant.
Genome position (GRCh38, 1-based): chr12:120,999,586, A>C. VCF-style: chr12-120999586-A-C. GRCh37 (hg19) VCF-style: chr12-121437389-A-C.
Other names: c.1748A>C, p.Gln583Pro (NM_001306179.2); short protein forms Q583P, Q576P.
Identifiers: ClinVar variation 882514 (VCV000882514.6), dbSNP rs1877318918, ClinGen allele CA386973234.

ClinVar aggregate classification (germline): Uncertain significance/Uncertain risk allele. Review status: criteria provided, multiple submitters, no conflicts (2 of 4 stars). 3 submissions from 3 submitters: Uncertain significance (2); Uncertain risk allele (1). Last evaluated 2021-11-10.

Conditions:
Maturity-onset diabetes of the young (MODY). Also called: Maturity onset diabetes mellitus in young. Identifiers: Orphanet 552, MedGen C0342276, MONDO:0018911, HP:0004904.
Type 1 diabetes mellitus 20 (T1D20). Also called: Diabetes mellitus, insulin-dependent, 20. Identifiers: MedGen C2675866, MONDO:0012919, OMIM 612520.
Maturity-onset diabetes of the young type 3. Also called: MODY type 3; MODY, type III. Identifiers: Orphanet 552, MedGen C1838100, MeSH C563933, MONDO:0010894, OMIM 600496. Disease mechanism: loss of function.
Diabetes mellitus type 1 (T1D). Also called: Diabetes Mellitus, Juvenile-Onset; Type I diabetes mellitus. Identifiers: MedGen C0011854, MONDO:0005147, OMIM 222100, HP:0100651.
Type 2 diabetes mellitus. Also called: Type II diabetes mellitus. Identifiers: MedGen C0011860, MeSH D003924, MONDO:0005148, OMIM 125853, HP:0005978.
Hepatic adenomas, familial. Also called: HEPATIC ADENOMA, SOMATIC; LIVER CELL ADENOMAS, FAMILIAL. Identifiers: MedGen C1840646, MONDO:0007718, OMIM 142330.
Nonpapillary renal cell carcinoma. Identifiers: Orphanet 422526, MedGen CN074294, MONDO:0007763, OMIM 144700.

Allele frequency attached by ClinVar (database versions not stated): gnomAD exomes below 0.00001.
gnomAD v4.1: 5 of 1,612,080 alleles (0.00031%); highest among the groups gnomAD compares: Middle Eastern, 0.034%; no homozygotes.

Submissions (3):

Fulgent Genetics
Classification: Uncertain significance for Type 2 diabetes mellitus; Hepatic adenomas, familial; Nonpapillary renal cell carcinoma; Diabetes mellitus type 1; Maturity-onset diabetes of the young type 3; Type 1 diabetes mellitus 20. Last evaluated: 2021-11-10. Review status: criteria provided, single submitter. Criteria: ACMG Guidelines, 2015. Collection method: clinical testing. Allele origin: unknown.

Illumina Laboratory Services, Illumina
Classification: Uncertain significance for Maturity-onset diabetes of the young type 3. Last evaluated: 2018-01-13. Review status: criteria provided, single submitter. Criteria: ICSL Variant Classification Criteria 13 December 2019. Collection method: clinical testing. Allele origin: germline.

Clinical Genomics, Uppaluri K&H Personalized Medicine Clinic
Classification: Uncertain risk allele for Maturity-onset diabetes of the young. Review status: criteria provided, single submitter. Criteria: K & H Uppaluri Personalized Medicine Clinic Variant Classification & Assertion Criteria_Updated V.1. Collection method: research. Allele origin: unknown. Inheritance: Autosomal dominant inheritance.
Comment: Mutations in HNF1A gene can predispose to MODY3. It is associated with both micro and macrovascular complications of diabetes, especially cardiovascular complications. Associated with glucosuria. May respond well to sulfonylureas. However, more evidence is required to confer the association of this particular variant rs1877318918 with MODY3.

Literature cited by the submitters: PubMed 31517624 (cited by Clinical Genomics, Uppaluri K&H Personalized Medicine Clinic); PubMed 32395877 (cited by Clinical Genomics, Uppaluri K&H Personalized Medicine Clinic); PubMed 35328643 (cited by Clinical Genomics, Uppaluri K&H Personalized Medicine Clinic); PubMed 35673428 (cited by Clinical Genomics, Uppaluri K&H Personalized Medicine Clinic).